The following is an entry in ClinVar:

NM_002907.4(RECQL):c.401C>T (p.Thr134Ile)

Gene: RECQL (RecQ like helicase; minus strand). Cytogenetic location: 12p12.1.
Variant type: single nucleotide variant.
Coding change: c.401C>T on transcript NM_002907.4 (MANE Select); coding-DNA position 401, C replaced by T.
Protein change: p.Thr134Ile; replaces threonine 134 with isoleucine.
Molecular consequence: missense variant.
Genome position (GRCh38, 1-based): chr12:21,486,579, G>A on the plus strand (C>T on the coding strand, the complement: RECQL is on the minus strand). VCF-style: chr12-21486579-G-A. GRCh37 (hg19) VCF-style: chr12-21639513-G-A.
Other names: c.401C>T, p.Thr134Ile (NM_032941.3); short protein forms T134I.
Identifiers: ClinVar variation 584821 (VCV000584821.32), dbSNP rs150306543, ClinGen allele CA6479085.

ClinVar aggregate classification (germline): Conflicting classifications of pathogenicity. Review status: criteria provided, conflicting classifications (1 of 4 stars). 9 submissions from 9 submitters: Uncertain significance (2); Benign (2); Likely benign (4). 1 of the submissions does not count toward it. Last evaluated 2026-01-26.

Conditions:
Hereditary cancer. Identifiers: MedGen C1333600.
Hereditary breast ovarian cancer syndrome. Also called: Hereditary breast and ovarian cancer syndrome (HBOC); BRCA1- and BRCA2-Associated Hereditary Breast and Ovarian Cancer; Breast and ovarian cancer; Hereditary breast and/or ovarian cancer syndrome; Hereditary breast and ovarian cancer; Hereditary breast and ovarian cancer syndrome. Identifiers: Orphanet 145, MedGen C0677776, MeSH D061325, MONDO:0003582. Disease mechanism: loss of function.
RECQL-related disorder. Also called: RECQL-related condition.
Seizure. Also called: Seizures. Identifiers: MedGen C0036572, HP:0001250.

Allele frequency attached by ClinVar (database versions not stated): gnomAD 0.00037 and 0.00049; ESP Exome Variant Server 0.00046; 1000 Genomes Project 0.00060; gnomAD exomes 0.00077 and 0.00085; 1000 Genomes Project 30x 0.00078; ExAC 0.00094.
gnomAD v4.1: 1,092 of 1,472,300 alleles (0.074%); highest among the groups gnomAD compares: South Asian, 0.5%; 6 homozygotes.

Submissions (9):

Labcorp Genetics (formerly Invitae), Labcorp
Classification: Likely benign. Last evaluated: 2026-01-26. Review status: criteria provided, single submitter. Criteria: Invitae Variant Classification Sherloc (09022015). Collection method: clinical testing. Allele origin: germline.

Quest Diagnostics Nichols Institute San Juan Capistrano
Classification: Benign. Last evaluated: 2025-08-29. Review status: criteria provided, single submitter. Criteria: Quest Diagnostics criteria. Collection method: clinical testing. Allele origin: unknown.

GeneDx
Classification: Uncertain significance. Last evaluated: 2025-05-20. Review status: criteria provided, single submitter. Criteria: GeneDx Variant Classification Process June 2021. Collection method: clinical testing. Allele origin: germline. Affected: yes.
Comment: Observed in individuals with breast (male and female) and/or ovarian cancer, but also in unaffected controls (PMID: 25915596, 30613976, 32546565); In silico analysis supports that this missense variant has a deleterious effect on protein structure/function; Variants in candidate genes are classified as variants of uncertain significance in accordance with ACMG guidelines (PMID: 25741868); This variant is associated with the following publications: (PMID: 26455304, 30613976, 25915596, 27377421, 32546565, 19151156, 27248010, Carpenter2024[computational], 38633426)

Blueprint Genetics
Classification: Likely benign. Last evaluated: 2024-11-22. Review status: criteria provided, single submitter. Criteria: ACMG Guidelines, 2015. Collection method: clinical testing. Allele origin: germline.

Mendelics
Classification: Likely benign for Hereditary cancer. Last evaluated: 2024-01-23. Review status: criteria provided, single submitter. Criteria: ACMG Guidelines, 2015. Collection method: clinical testing. Allele origin: unknown.

Molecular Oncology Research Center, Barretos Cancer Hospital
Classification: Uncertain significance for Hereditary breast ovarian cancer syndrome. Last evaluated: 2020-08-01. Review status: criteria provided, single submitter. Criteria: ACMG Guidelines, 2015. Collection method: research. Allele origin: germline. Affected: yes. Observed: 1 variant allele.

Ambry Genetics
Classification: Benign. Last evaluated: 2020-06-25. Review status: criteria provided, single submitter. Criteria: Ambry Variant Classification Scheme 2023. Collection method: clinical testing. Allele origin: germline.

Institute of Human Genetics, University of Leipzig Medical Center
Classification: Likely benign for Seizures. Last evaluated: 2019-01-01. Review status: criteria provided, single submitter. Criteria: ACMG Guidelines, 2015. Collection method: clinical testing. Allele origin: unknown. Affected: no.

PreventionGenetics, part of Exact Sciences
Classification: Likely benign for RECQL-related condition. Last evaluated: 2022-04-15. Review status: no assertion criteria provided. Collection method: clinical testing. Allele origin: germline. Not counted in ClinVar's aggregate classification.
Comment: This variant is classified as likely benign based on ACMG/AMP sequence variant interpretation guidelines (Richards et al. 2015 PMID: 25741868, with internal and published modifications).

Literature cited by the submitters: PubMed 30613976 (cited by Quest Diagnostics Nichols Institute San Juan Capistrano); PubMed 32546565 (cited by Quest Diagnostics Nichols Institute San Juan Capistrano); PubMed 25915596 (cited by Quest Diagnostics Nichols Institute San Juan Capistrano).